The following is an entry in ClinVar:

NM_022455.5(NSD1):c.7115C>A (p.Pro2372His)

Gene: NSD1 (nuclear receptor binding SET domain protein 1; plus strand). Cytogenetic location: 5q35.3.
Variant type: single nucleotide variant.
Coding change: c.7115C>A on transcript NM_022455.5 (MANE Select); coding-DNA position 7115, C replaced by A.
Protein change: p.Pro2372His; replaces proline 2372 with histidine.
Molecular consequence: missense variant.
Genome position (GRCh38, 1-based): chr5:177,294,483, C>A. VCF-style: chr5-177294483-C-A. GRCh37 (hg19) VCF-style: chr5-176721484-C-A.
Other names: c.6242C>A, p.Pro2081His (NM_001365684.2, NM_001409308.1, NM_172349.5); c.7115C>A, p.Pro2372His (NM_001409301.1, NM_001409302.1, NM_001409303.1); c.6695C>A, p.Pro2232His (NM_001409304.1); c.6362C>A, p.Pro2121His (NM_001409305.1); c.6353C>A, p.Pro2118His (NM_001409306.1, NM_001409307.1); c.5993C>A, p.Pro1998His (NM_001409309.1); short protein forms P2372H, P2103H, P1998H, P2081H, P2232H, P2118H, P2121H.
Identifiers: ClinVar variation 387084 (VCV000387084.1), dbSNP rs1057522686, ClinGen allele CA16604933.

ClinVar aggregate classification (germline): Likely benign (1 of 4 stars; one submission).

Submission:

GeneDx
Classification: Likely benign. Last evaluated: 2016-06-24. Review status: criteria provided, single submitter. Criteria: GeneDx Variant Classification (06012015). Collection method: clinical testing. Allele origin: germline. Affected: yes.
Comment: This variant is considered likely benign or benign based on one or more of the following criteria: it is a conservative change, it occurs at a poorly conserved position in the protein, it is predicted to be benign by multiple in silico algorithms, and/or has population frequency not consistent with disease.